The following is an entry in ClinVar:

ClinVar aggregate classification (germline): Uncertain significance. Review status: criteria provided, multiple submitters, no conflicts (2 of 4 stars). 3 submissions from 3 submitters: Uncertain significance (3). Last evaluated 2026-08-10.

Conditions:
SNRNP200-related disorder. Also called: SNRNP200-related condition.

Allele frequency attached by ClinVar (database versions not stated): gnomAD exomes 0.00001 and 0.00002; ExAC 0.00002; gnomAD 0.00002 and 0.00003; TOPMed 0.00005.
gnomAD v4.1: 23 of 1,614,058 alleles (0.0014%); highest among the groups gnomAD compares: African/African-American, 0.0053%; no homozygotes.

Submissions (3):

PreventionGenetics, part of Exact Sciences
Classification: Uncertain significance for SNRNP200-related condition. Last evaluated: 2026-08-10. Review status: criteria provided, single submitter. Criteria: ACMG Guidelines, 2015. Collection method: clinical testing. Allele origin: germline.
Comment: The SNRNP200 c.5552A>G variant is predicted to result in the amino acid substitution p.Asn1851Ser. To our knowledge, this variant has not been reported in the literature. This variant is reported in 0.0080% of alleles in individuals of African descent in gnomAD. At this time, the clinical significance of this variant is uncertain due to the absence of conclusive functional and genetic evidence.

Labcorp Genetics (formerly Invitae), Labcorp
Classification: Uncertain significance. Last evaluated: 2024-09-05. Review status: criteria provided, single submitter. Criteria: Invitae Variant Classification Sherloc (09022015). Collection method: clinical testing. Allele origin: germline.
Comment: This sequence change replaces asparagine, which is neutral and polar, with serine, which is neutral and polar, at codon 1851 of the SNRNP200 protein (p.Asn1851Ser). This variant is present in population databases (rs779444178, gnomAD 0.008%). This variant has not been reported in the literature in individuals affected with SNRNP200-related conditions. ClinVar contains an entry for this variant (Variation ID: 1347449). Invitae Evidence Modeling of protein sequence and biophysical properties (such as structural, functional, and spatial information, amino acid conservation, physicochemical variation, residue mobility, and thermodynamic stability) indicates that this missense variant is not expected to disrupt SNRNP200 protein function with a negative predictive value of 80%. In summary, the available evidence is currently insufficient to determine the role of this variant in disease. Therefore, it has been classified as a Variant of Uncertain Significance.

Blueprint Genetics
Classification: Uncertain significance. Last evaluated: 2022-06-13. Review status: criteria provided, single submitter. Criteria: ACMG Guidelines, 2015. Collection method: clinical testing. Allele origin: germline.

NM_014014.5(SNRNP200):c.5552A>G (p.Asn1851Ser)

Gene: SNRNP200 (small nuclear ribonucleoprotein U5 subunit 200; minus strand). Cytogenetic location: 2q11.2.
Variant type: single nucleotide variant.
Coding change: c.5552A>G on transcript NM_014014.5 (MANE Select); coding-DNA position 5552, A replaced by G.
Protein change: p.Asn1851Ser; replaces asparagine 1851 with serine.
Molecular consequence: missense variant.
Genome position (GRCh38, 1-based): chr2:96,278,295, T>C on the plus strand (A>G on the coding strand, the complement: SNRNP200 is on the minus strand). VCF-style: chr2-96278295-T-C. GRCh37 (hg19) VCF-style: chr2-96944033-T-C.
Other names: c.5552A>G (NM_014014.4); short protein forms N1851S.
Identifiers: ClinVar variation 1347449 (VCV001347449.10), dbSNP rs779444178, ClinGen allele CA1777942.